The following is an entry in ClinVar:

NM_006939.4(SOS2):c.3544C>T (p.Pro1182Ser)

Gene: SOS2 (SOS Ras/Rho guanine nucleotide exchange factor 2; minus strand). Cytogenetic location: 14q21.3.
Variant type: single nucleotide variant.
Coding change: c.3544C>T on transcript NM_006939.4 (MANE Select); coding-DNA position 3544, C replaced by T.
Protein change: p.Pro1182Ser; replaces proline 1182 with serine.
Molecular consequence: missense variant.
Genome position (GRCh38, 1-based): chr14:50,118,799, G>A on the plus strand (C>T on the coding strand, the complement: SOS2 is on the minus strand). VCF-style: chr14-50118799-G-A. GRCh37 (hg19) VCF-style: chr14-50585517-G-A.
Other names: c.3445C>T, p.Pro1149Ser (NM_001411020.1); short protein forms P1149S, P1182S.
Identifiers: ClinVar variation 1804786 (VCV001804786.4), dbSNP rs775431214, ClinGen allele CA7176756.
Genomic context (GRCh38, chr14:50,118,799, plus strand): 5'-TATGCAGAGGCCCATCAAATGCACCAGTAGGAACAGGAACTCTGGGTTTTACCTTTGGAG[G>A]AGGAGGCTGTCTCGGTGGAATAGCAGGAGGATCATCATCAGATTTCATATTTCCCTCAAA-3'
Protein context (NP_008870.2, residues 1172-1192): PPAIPPRQPP[Pro1182Ser]PKVKPRVPVP

ClinVar aggregate classification (germline): Uncertain significance. Review status: criteria provided, multiple submitters, no conflicts (2 of 4 stars). 2 submissions from 2 submitters: Uncertain significance (2). Last evaluated 2023-09-11.

Conditions:
Noonan syndrome 9 (NS9). Identifiers: Orphanet 648, MedGen C4225282, MONDO:0014691, OMIM 616559.

Allele frequency attached by ClinVar (database versions not stated): gnomAD exomes below 0.00001; ExAC 0.00002.

Submissions (2):

Labcorp Genetics (formerly Invitae), Labcorp
Classification: Uncertain significance for Noonan syndrome 9. Last evaluated: 2023-09-11. Review status: criteria provided, single submitter. Criteria: Invitae Variant Classification Sherloc (09022015). Collection method: clinical testing. Allele origin: germline.
Comment: In summary, the available evidence is currently insufficient to determine the role of this variant in disease. Therefore, it has been classified as a Variant of Uncertain Significance. Advanced modeling of protein sequence and biophysical properties (such as structural, functional, and spatial information, amino acid conservation, physicochemical variation, residue mobility, and thermodynamic stability) performed at Invitae indicates that this missense variant is not expected to disrupt SOS2 protein function. ClinVar contains an entry for this variant (Variation ID: 1804786). This variant has not been reported in the literature in individuals affected with SOS2-related conditions. This variant is present in population databases (rs775431214, gnomAD 0.002%). This sequence change replaces proline, which is neutral and non-polar, with serine, which is neutral and polar, at codon 1182 of the SOS2 protein (p.Pro1182Ser).

Women's Health and Genetics/Laboratory Corporation of America, LabCorp
Classification: Uncertain significance. Last evaluated: 2022-11-21. Review status: criteria provided, single submitter. Criteria: LabCorp Variant Classification Summary - May 2015. Collection method: clinical testing. Allele origin: germline.
Comment: Variant summary: SOS2 c.3544C>T (p.Pro1182Ser) results in a non-conservative amino acid change in the encoded protein sequence. Three of five in-silico tools predict a damaging effect of the variant on protein function. The variant allele was found at a frequency of 8.8e-06 in 227876 control chromosomes (gnomAD). The available data on variant occurrences in the general population are insufficient to allow any conclusion about variant significance. To our knowledge, no occurrence of c.3544C>T in individuals affected with Noonan Syndrome and no experimental evidence demonstrating its impact on protein function have been reported. No clinical diagnostic laboratories have submitted clinical-significance assessments for this variant to ClinVar after 2014. Based on the evidence outlined above, the variant was classified as uncertain significance.